The following is an entry in ClinVar:

NM_013962.3(NRG1):c.473C>T (p.Ala158Val)

Gene: NRG1 (neuregulin 1; plus strand). Cytogenetic location: 8p12.
Variant type: single nucleotide variant.
Coding change: c.473C>T on transcript NM_013962.3; coding-DNA position 473, C replaced by T.
Protein change: p.Ala158Val; replaces alanine 158 with valine.
Molecular consequence: missense variant. On other transcripts: intron variant (5).
Genome position (GRCh38, 1-based): chr8:31,640,457, C>T. VCF-style: chr8-31640457-C-T. GRCh37 (hg19) VCF-style: chr8-31497973-C-T.
Other names: c.37+1026C>T (NM_001159999.3, NM_001159995.3, NM_001160001.3); c.-556+1026C>T (NM_001322201.2); c.-505+1026C>T (NM_001322202.2); short protein forms A158V.
Identifiers: ClinVar variation 3055726 (VCV003055726.2), dbSNP rs61730349, ClinGen allele CA4705351.

ClinVar aggregate classification (germline): Benign (0 of 4 stars; one submission).

Conditions:
NRG1-related disorder. Also called: NRG1-related condition.

Allele frequency attached by ClinVar (database versions not stated): gnomAD 0.01866; ExAC 0.01315; 1000 Genomes Project 30x 0.02092; TOPMed 0.02153; 1000 Genomes Project 0.02077; ESP Exome Variant Server 0.01946.
gnomAD v4.1: 5,411 of 1,566,488 alleles (0.35%); highest among the groups gnomAD compares: African/African-American, 6.5%; 164 homozygotes.

Submission:

PreventionGenetics, part of Exact Sciences
Classification: Benign for NRG1-related condition. Last evaluated: 2019-03-12. Review status: no assertion criteria provided. Collection method: clinical testing. Allele origin: germline.
Comment: This variant is classified as benign based on ACMG/AMP sequence variant interpretation guidelines (Richards et al. 2015 PMID: 25741868, with internal and published modifications).